The following is an entry in ClinVar:

NM_001379500.1(COL18A1):c.2277+3A>G

Gene: COL18A1 (collagen type XVIII alpha 1 chain; plus strand). Cytogenetic location: 21q22.3.
Variant type: single nucleotide variant.
Coding change: c.2277+3A>G on transcript NM_001379500.1 (MANE Select); 3 bases into the intron after coding-DNA position 2277, A replaced by G.
Molecular consequence: intron variant.
Genome position (GRCh38, 1-based): chr21:45,493,228, A>G. VCF-style: chr21-45493228-A-G. GRCh37 (hg19) VCF-style: chr21-46913142-A-G.
Other names: c.3522+3A>G (NM_130444.3); c.2817+3A>G (NM_030582.4).
Identifiers: ClinVar variation 4997513 (VCV004997513.1).

ClinVar aggregate classification (germline): Likely benign (1 of 4 stars; one submission).

Conditions:
COL18A1-related disorder. Also called: COL18A1-related condition; COL18A1-related disorders.

Submission:

PreventionGenetics, part of Exact Sciences
Classification: Likely benign for COL18A1-related condition. Last evaluated: 2024-12-22. Review status: criteria provided, single submitter. Criteria: ACMG Guidelines, 2015. Collection method: clinical testing. Allele origin: germline.
Comment: This variant is classified as likely benign based on ACMG/AMP sequence variant interpretation guidelines (Richards et al. 2015 PMID: 25741868, with internal and published modifications).